The following is an entry in ClinVar:

NM_017780.4(CHD7):c.2613+1G>A

Gene: CHD7 (chromodomain helicase DNA binding protein 7; plus strand). Cytogenetic location: 8q12.2.
Variant type: single nucleotide variant.
Coding change: c.2613+1G>A on transcript NM_017780.4 (MANE Select); the canonical splice donor site of the intron after coding-DNA position 2613, G replaced by A.
Molecular consequence: splice donor variant. On other transcripts: intron variant (1).
Genome position (GRCh38, 1-based): chr8:60,816,502, G>A. VCF-style: chr8-60816502-G-A. GRCh37 (hg19) VCF-style: chr8-61729061-G-A.
Other names: c.1716+35452G>A (NM_001316690.1).
Identifiers: ClinVar variation 158283 (VCV000158283.8), dbSNP rs587783432, ClinGen allele CA271287.

ClinVar aggregate classification (germline): Pathogenic/Likely pathogenic. Review status: criteria provided, multiple submitters, no conflicts (2 of 4 stars). 2 submissions from 2 submitters: Pathogenic (1); Likely pathogenic (1). Last evaluated 2018-01-30.

Conditions:
Inborn genetic diseases. Identifiers: MedGen C0950123, MeSH D030342.
CHARGE syndrome (CHARGE). Also called: CHARGE ASSOCIATION--COLOBOMA, HEART ANOMALY, CHOANAL ATRESIA, RETARDATION, GENITAL AND EAR ANOMALIES; Hittner Hirsch Kreh syndrome; Coloboma, heart anomaly, choanal atresia, retardation, genital and ear anomalies; CHARGE association; Hall-Hittner syndrome. Identifiers: Orphanet 138, MedGen C0265354, MONDO:0008965.

Submissions (2):

Ambry Genetics
Classification: Likely pathogenic for Inborn genetic diseases. Last evaluated: 2018-01-30. Review status: criteria provided, single submitter. Criteria: Ambry Variant Classification Scheme 2023. Collection method: clinical testing. Allele origin: germline.
Comment: The c.2613+1G>A intronic variant results from a G to A substitution one nucleotide after coding exon 7 of the CHD7 gene. This nucleotide position is highly conserved in available vertebrate species. Using the BDGP and ESEfinder splice site prediction tools, this alteration is predicted to abolish the native splice donor site; however, direct evidence is unavailable. Alterations that disrupt the canonical splice site are expected to cause aberrant splicing, resulting in an abnormal protein or a transcript that is subject to nonsense-mediated mRNA decay. As such, this alteration is classified as likely pathogenic.

Genetic Services Laboratory, University of Chicago
Classification: Pathogenic for CHARGE syndrome. Last evaluated: 2013-02-08. Review status: criteria provided, single submitter. Criteria: ACMG Guidelines, 2007. Collection method: clinical testing. Allele origin: germline. Inheritance: Autosomal dominant inheritance. Affected: yes.